The following is an entry in ClinVar:

ClinVar aggregate classification (germline): Pathogenic (1 of 4 stars; one submission).

Conditions:
DICER1-related tumor predisposition. Also called: DICER1-related pleuropulmonary blastoma cancer predisposition syndrome; DICER1 syndrome. Identifiers: Orphanet 284343, MedGen C3839822, MONDO:0100216.

Submission:

Labcorp Genetics (formerly Invitae), Labcorp
Classification: Pathogenic for DICER1-related tumor predisposition. Last evaluated: 2019-10-23. Review status: criteria provided, single submitter. Criteria: Invitae Variant Classification Sherloc (09022015). Collection method: clinical testing. Allele origin: germline.
Comment: For these reasons, this variant has been classified as Pathogenic. Loss-of-function variants in DICER1 are known to be pathogenic (PMID: 19556464, 21266384). This variant has not been reported in the literature in individuals with DICER1-related conditions. This variant is not present in population databases (ExAC no frequency). This sequence change creates a premature translational stop signal (p.Ser125*) in the DICER1 gene. It is expected to result in an absent or disrupted protein product.

Literature cited by the submitters: PubMed 19556464; PubMed 21266384.

NM_177438.3(DICER1):c.374C>G (p.Ser125Ter)

Gene: DICER1 (dicer 1, ribonuclease III; minus strand). Cytogenetic location: 14q32.13.
Variant type: single nucleotide variant.
Coding change: c.374C>G on transcript NM_177438.3 (MANE Select); coding-DNA position 374, C replaced by G.
Protein change: p.Ser125Ter; replaces serine 125 with a stop codon.
Molecular consequence: nonsense.
Genome position (GRCh38, 1-based): chr14:95,131,573, G>C on the plus strand (C>G on the coding strand, the complement: DICER1 is on the minus strand). VCF-style: chr14-95131573-G-C. GRCh37 (hg19) VCF-style: chr14-95597910-G-C.
Other names: c.374C>G, p.Ser125Ter (NM_001195573.1, NM_001271282.3, NM_001291628.2 and 1 more transcripts); short protein forms S125*.
Identifiers: ClinVar variation 969779 (VCV000969779.9), dbSNP rs377669634, ClinGen allele CA390889101.